The following is an entry in ClinVar:

ClinVar aggregate classification (germline): Uncertain significance (1 of 4 stars; one submission).

Allele frequency attached by ClinVar (database versions not stated): gnomAD 0.00001; TOPMed 0.00001.

Submission:

Labcorp Genetics (formerly Invitae), Labcorp
Classification: Uncertain significance. Last evaluated: 2023-05-01. Review status: criteria provided, single submitter. Criteria: Invitae Variant Classification Sherloc (09022015). Collection method: clinical testing. Allele origin: germline.
Comment: Experimental studies and prediction algorithms are not available or were not evaluated, and the functional significance of this variant is currently unknown. In summary, the available evidence is currently insufficient to determine the role of this variant in disease. Therefore, it has been classified as a Variant of Uncertain Significance. This variant has not been reported in the literature in individuals affected with CYFIP2-related conditions. This variant is not present in population databases (gnomAD no frequency). This sequence change replaces leucine, which is neutral and non-polar, with methionine, which is neutral and non-polar, at codon 1182 of the CYFIP2 protein (p.Leu1182Met).

NM_001037333.3(CYFIP2):c.3544C>A (p.Leu1182Met)

Genes: CYFIP2 (cytoplasmic FMR1 interacting protein 2; plus strand), NIPAL4-DT (NIPAL4 divergent transcript; minus strand), LOC126807569 (P300/CBP strongly-dependent group 1 enhancer GRCh37_chr5:156817055-156818254; plus strand). Cytogenetic location: 5q33.3.
Variant type: single nucleotide variant.
Coding change: c.3544C>A on transcript NM_001037333.3 (MANE Select); coding-DNA position 3544, C replaced by A.
Protein change: p.Leu1182Met; replaces leucine 1182 with methionine.
Molecular consequence: missense variant.
Genome position (GRCh38, 1-based): chr5:157,390,618, C>A. VCF-style: chr5-157390618-C-A. GRCh37 (hg19) VCF-style: chr5-156817626-C-A.
Other names: c.3466C>A, p.Leu1156Met (NM_001291721.2); c.3619C>A, p.Leu1207Met (NM_001291722.2); c.3544C>A, p.Leu1182Met (NM_014376.4); short protein forms L1156M, L1182M, L1207M.
Identifiers: ClinVar variation 2776440 (VCV002776440.3), dbSNP rs1201414786, ClinGen allele CA361982965.